The following is an entry in ClinVar:

ClinVar aggregate classification (germline): Pathogenic. Review status: criteria provided, multiple submitters, no conflicts (2 of 4 stars). 5 submissions from 5 submitters: Pathogenic (5). Last evaluated 2025-09-16.

Conditions:
Hereditary cancer-predisposing syndrome. Also called: Hereditary neoplastic syndrome; Hereditary Cancer Syndrome; Neoplastic Syndromes, Hereditary; Tumor predisposition. Identifiers: Orphanet 140162, MedGen C0027672, MeSH D009386, MONDO:0015356.
Hereditary nonpolyposis colorectal neoplasms. Identifiers: MedGen C0009405, MeSH D003123.
Lynch syndrome 5 (LYNCH5). Also called: Hereditary non-polyposis colorectal cancer, type 5; Colorectal cancer, hereditary nonpolyposis, type 5. Identifiers: Orphanet 144, MedGen C1833477, MONDO:0013710, OMIM 614350. Disease mechanism: loss of function.
Endometrial carcinoma. Also called: Endometrial carcinoma, somatic. Identifiers: MedGen C0476089, MONDO:0002447, OMIM 608089, HP:0012114.

Submissions (5):

Labcorp Genetics (formerly Invitae), Labcorp
Classification: Pathogenic for Hereditary nonpolyposis colorectal neoplasms. Last evaluated: 2025-09-16. Review status: criteria provided, single submitter. Criteria: Invitae Variant Classification Sherloc (09022015). Collection method: clinical testing. Allele origin: germline.
Comment: This sequence change creates a premature translational stop signal (p.Ser200*) in the MSH6 gene. It is expected to result in an absent or disrupted protein product. Loss-of-function variants in MSH6 are known to be pathogenic (PMID: 18269114, 24362816). This variant is not present in population databases (gnomAD no frequency). This premature translational stop signal has been observed in individual(s) with colorectal cancer (PMID: 16616355). ClinVar contains an entry for this variant (Variation ID: 234621). For these reasons, this variant has been classified as Pathogenic.

Ambry Genetics
Classification: Pathogenic for Hereditary cancer-predisposing syndrome. Last evaluated: 2025-05-27. Review status: criteria provided, single submitter. Criteria: Ambry Variant Classification Scheme 2023. Collection method: clinical testing. Allele origin: germline.
Comment: The p.S200* pathogenic mutation (also known as c.599C>G), located in coding exon 3 of the MSH6 gene, results from a C to G substitution at nucleotide position 599. This changes the amino acid from a serine to a stop codon within coding exon 3. This variant is considered to be rare based on population cohorts in the Genome Aggregation Database (gnomAD). This alteration is expected to result in loss of function by premature protein truncation or nonsense-mediated mRNA decay. As such, this alteration is interpreted as a disease-causing mutation.

Myriad Genetics, Inc.
Classification: Pathogenic for Lynch syndrome 5. Last evaluated: 2023-08-10. Review status: criteria provided, single submitter. Criteria: Myriad Autosomal Dominant, Autosomal Recessive and X-Linked Classification Criteria (2023). Collection method: clinical testing. Allele origin: unknown.
Comment: This variant is considered pathogenic. This variant creates a termination codon and is predicted to result in premature protein truncation.

Baylor Genetics
Classification: Pathogenic for Endometrial carcinoma. Last evaluated: 2022-02-22. Review status: criteria provided, single submitter. Criteria: ACMG Guidelines, 2015. Collection method: clinical testing. Allele origin: unknown.

GeneDx
Classification: Pathogenic. Last evaluated: 2015-11-24. Review status: criteria provided, single submitter. Criteria: GeneDx Variant Classification (06012015). Collection method: clinical testing. Allele origin: germline. Affected: yes.
Comment: This pathogenic variant is denoted MSH6 c.599C>G at the cDNA level and p.Ser200Ter (S200X) at the protein level. The substitution creates a nonsense variant, which changes a Serine to a premature stop codon (TCA>TGA) , and is predicted to cause loss of normal protein function through either protein truncation or nonsense-mediated mRNA decay. This variant has been reported in association with colorectal cancer (Jenkins 2006). We therefore consider this variant to be pathogenic.

Literature cited by the submitters: PubMed 18269114 (cited by Labcorp Genetics (formerly Invitae), Labcorp); PubMed 24362816 (cited by Labcorp Genetics (formerly Invitae), Labcorp); PubMed 16616355 (cited by Labcorp Genetics (formerly Invitae), Labcorp).

NM_000179.3(MSH6):c.599C>G (p.Ser200Ter)

Gene: MSH6 (mutS homolog 6; plus strand). Cytogenetic location: 2p16.3.
Variant type: single nucleotide variant.
Coding change: c.599C>G on transcript NM_000179.3 (MANE Select); coding-DNA position 599, C replaced by G.
Protein change: p.Ser200Ter; replaces serine 200 with a stop codon.
Molecular consequence: nonsense. On other transcripts: 5 prime UTR variant (1), intron variant (2).
Genome position (GRCh38, 1-based): chr2:47,796,035, C>G. VCF-style: chr2-47796035-C-G. GRCh37 (hg19) VCF-style: chr2-48023174-C-G.
Other names: c.-304C>G (NM_001281494.2); c.-279-2576C>G (NM_001281493.2); c.238-2576C>G (NM_001281492.2); short protein forms S200*.
Identifiers: ClinVar variation 234621 (VCV000234621.19), dbSNP rs63751077, ClinGen allele CA10577254.